The following is an entry in ClinVar:

NM_014629.4(ARHGEF10):c.3485C>T (p.Pro1162Leu)

Gene: ARHGEF10 (Rho guanine nucleotide exchange factor 10; plus strand). Cytogenetic location: 8p23.3.
Variant type: single nucleotide variant.
Coding change: c.3485C>T on transcript NM_014629.4 (MANE Select); coding-DNA position 3485, C replaced by T.
Protein change: p.Pro1162Leu; replaces proline 1162 with leucine.
Molecular consequence: missense variant.
Genome position (GRCh38, 1-based): chr8:1,952,792, C>T. VCF-style: chr8-1952792-C-T. GRCh37 (hg19) VCF-style: chr8-1900958-C-T.
Other names: c.3371C>T, p.Pro1124Leu (NM_001308152.2); c.3485C>T, p.Pro1162Leu (NM_001308153.3); short protein forms P1186L, P1124L, P1162L.
Identifiers: ClinVar variation 2967232 (VCV002967232.2), dbSNP rs777748141, ClinGen allele CA4601389.

ClinVar aggregate classification (germline): Uncertain significance (1 of 4 stars; one submission).

Allele frequency attached by ClinVar (database versions not stated): ExAC 0.00002; TOPMed 0.00001; gnomAD 0.00002.
gnomAD v4.1: 21 of 1,613,732 alleles (0.0013%); highest among the groups gnomAD compares: African/African-American, 0.0053%; no homozygotes.

Submission:

Labcorp Genetics (formerly Invitae), Labcorp
Classification: Uncertain significance. Last evaluated: 2025-10-21. Review status: criteria provided, single submitter. Criteria: Invitae Variant Classification Sherloc (09022015). Collection method: clinical testing. Allele origin: germline.
Comment: This sequence change replaces proline, which is neutral and non-polar, with leucine, which is neutral and non-polar, at codon 1162 of the ARHGEF10 protein (p.Pro1162Leu). This variant is present in population databases (rs777748141, gnomAD 0.007%). This variant has not been reported in the literature in individuals affected with ARHGEF10-related conditions. ClinVar contains an entry for this variant (Variation ID: 2967232). Invitae Evidence Modeling of protein sequence and biophysical properties (such as structural, functional, and spatial information, amino acid conservation, physicochemical variation, residue mobility, and thermodynamic stability) has been performed for this missense variant. However, the output from this modeling did not meet the statistical confidence thresholds required to predict the impact of this variant on ARHGEF10 protein function. In summary, the available evidence is currently insufficient to determine the role of this variant in disease. Therefore, it has been classified as a Variant of Uncertain Significance.